The following is an entry in ClinVar:

NM_000179.3(MSH6):c.3253dup (p.Thr1085fs)

Gene: MSH6 (mutS homolog 6; plus strand). Cytogenetic location: 2p16.3.
Variant type: Duplication.
Coding change: c.3253dup on transcript NM_000179.3 (MANE Select); coding-DNA position 3253, one base duplicated (A; older notation c.3253dupA).
Protein change: p.Thr1085fs; shifts the reading frame from threonine 1085.
Molecular consequence: frameshift variant.
Genome position (GRCh38, 1-based): chr2:47,803,500, A duplicated. VCF-style (leftmost placement, unchanged base first): chr2-47803499-T-TA. GRCh37 (hg19) VCF-style: chr2-48030638-T-TA.
Other names: c.2863dup, p.Thr955fs (NM_001281492.2); c.2347dup, p.Thr783fs (NM_001281493.2, NM_001281494.2); c.3253dupA (NM_000179.2); short protein forms T1085fs, T955fs, T783fs.
Identifiers: ClinVar variation 525839 (VCV000525839.12), dbSNP rs1114167705, ClinGen allele CA658795740.

ClinVar aggregate classification (germline): Pathogenic. Review status: criteria provided, multiple submitters, no conflicts (2 of 4 stars). 3 submissions from 3 submitters: Pathogenic (3). Last evaluated 2025-08-25.

Conditions:
Hereditary nonpolyposis colorectal neoplasms. Identifiers: MedGen C0009405, MeSH D003123.
Lynch syndrome 5 (LYNCH5). Also called: Colorectal cancer, hereditary nonpolyposis, type 5; Hereditary non-polyposis colorectal cancer, type 5. Identifiers: Orphanet 144, MedGen C1833477, MONDO:0013710, OMIM 614350. Disease mechanism: loss of function.
Hereditary cancer-predisposing syndrome. Also called: Neoplastic Syndromes, Hereditary; Tumor predisposition; Hereditary Cancer Syndrome; Hereditary neoplastic syndrome. Identifiers: Orphanet 140162, MedGen C0027672, MeSH D009386, MONDO:0015356.

Submissions (3):

Labcorp Genetics (formerly Invitae), Labcorp
Classification: Pathogenic for Hereditary nonpolyposis colorectal neoplasms. Last evaluated: 2025-08-25. Review status: criteria provided, single submitter. Criteria: Invitae Variant Classification Sherloc (09022015). Collection method: clinical testing. Allele origin: germline.
Comment: This sequence change creates a premature translational stop signal (p.Thr1085Asnfs*8) in the MSH6 gene. It is expected to result in an absent or disrupted protein product. Loss-of-function variants in MSH6 are known to be pathogenic (PMID: 18269114, 24362816). This variant is not present in population databases (gnomAD no frequency). This premature translational stop signal has been observed in individual(s) with colorectal cancer or endometrial cancer (PMID: 20028993). ClinVar contains an entry for this variant (Variation ID: 525839). For these reasons, this variant has been classified as Pathogenic.

Myriad Genetics, Inc.
Classification: Pathogenic for Lynch syndrome 5. Last evaluated: 2023-08-22. Review status: criteria provided, single submitter. Criteria: Myriad Autosomal Dominant, Autosomal Recessive and X-Linked Classification Criteria (2023). Collection method: clinical testing. Allele origin: unknown.
Comment: This variant is considered pathogenic. This variant creates a frameshift predicted to result in premature protein truncation.

Ambry Genetics
Classification: Pathogenic for Hereditary cancer-predisposing syndrome. Last evaluated: 2017-12-22. Review status: criteria provided, single submitter. Criteria: Ambry Variant Classification Scheme 2023. Collection method: clinical testing. Allele origin: germline.
Comment: The c.3253dupA variant, located in coding exon 5 of the MSH6 gene, results from a duplication of A at nucleotide position 3253, causing a translational frameshift with a predicted alternate stop codon (p.T1085Nfs*8). This alteration is expected to result in loss of function by premature protein truncation or nonsense-mediated mRNA decay. As such, this alteration is interpreted as a disease-causing mutation.

Literature cited by the submitters: PubMed 18269114 (cited by Labcorp Genetics (formerly Invitae), Labcorp); PubMed 24362816 (cited by Labcorp Genetics (formerly Invitae), Labcorp); PubMed 20028993 (cited by Labcorp Genetics (formerly Invitae), Labcorp).